The following is an entry in ClinVar:

ClinVar aggregate classification (germline): Uncertain significance. Review status: criteria provided, multiple submitters, no conflicts (2 of 4 stars). 2 submissions from 2 submitters: Uncertain significance (2). Last evaluated 2023-06-29.

Conditions:
Hypokalemic periodic paralysis, type 1. Also called: HypoPP; Hypokalemic Periodic Paralysis Type 1 (AD). Identifiers: Orphanet 681, MedGen C3714580, MONDO:0042979, OMIM 170400.
Malignant hyperthermia, susceptibility to, 5 (MHS5). Also called: CACNA1S-Related Malignant Hyperthermia Susceptibility. Identifiers: Orphanet 423, MedGen C1866077, MONDO:0011163, OMIM 601887.

Allele frequency attached by ClinVar (database versions not stated): ESP Exome Variant Server 0.00008.
gnomAD v4.1: 12 of 1,614,096 alleles (0.00074%); highest among the groups gnomAD compares: African/African-American, 0.0067%; no homozygotes.

Submissions (2):

Labcorp Genetics (formerly Invitae), Labcorp
Classification: Uncertain significance for Hypokalemic periodic paralysis, type 1; Malignant hyperthermia, susceptibility to, 5. Last evaluated: 2023-06-29. Review status: criteria provided, single submitter. Criteria: Invitae Variant Classification Sherloc (09022015). Collection method: clinical testing. Allele origin: germline.
Comment: In summary, the available evidence is currently insufficient to determine the role of this variant in disease. Therefore, it has been classified as a Variant of Uncertain Significance. Advanced modeling of protein sequence and biophysical properties (such as structural, functional, and spatial information, amino acid conservation, physicochemical variation, residue mobility, and thermodynamic stability) performed at Invitae indicates that this missense variant is not expected to disrupt CACNA1S protein function. This variant has not been reported in the literature in individuals affected with CACNA1S-related conditions. This variant is present in population databases (rs375469357, gnomAD 0.003%). This sequence change replaces glycine, which is neutral and non-polar, with arginine, which is basic and polar, at codon 485 of the CACNA1S protein (p.Gly485Arg).

Blueprint Genetics
Classification: Uncertain significance. Last evaluated: 2022-12-29. Review status: criteria provided, single submitter. Criteria: ACMG Guidelines, 2015. Collection method: clinical testing. Allele origin: germline.

NM_000069.3(CACNA1S):c.1453G>A (p.Gly485Arg)

Gene: CACNA1S (calcium voltage-gated channel subunit alpha1 S; minus strand). Cytogenetic location: 1q32.1.
Variant type: single nucleotide variant.
Coding change: c.1453G>A on transcript NM_000069.3 (MANE Select); coding-DNA position 1453, G replaced by A.
Protein change: p.Gly485Arg; replaces glycine 485 with arginine.
Molecular consequence: missense variant.
Genome position (GRCh38, 1-based): chr1:201,078,045, C>T on the plus strand (G>A on the coding strand, the complement: CACNA1S is on the minus strand). VCF-style: chr1-201078045-C-T. GRCh37 (hg19) VCF-style: chr1-201047173-C-T.
Other names: short protein forms G485R.
Identifiers: ClinVar variation 2923577 (VCV002923577.3), dbSNP rs375469357, ClinGen allele CA078242.